The following is an entry in ClinVar:

ClinVar aggregate classification (germline): Uncertain significance (1 of 4 stars; one submission).

Allele frequency attached by ClinVar (database versions not stated): TOPMed below 0.00001.

Submission:

Labcorp Genetics (formerly Invitae), Labcorp
Classification: Uncertain significance. Last evaluated: 2023-09-01. Review status: criteria provided, single submitter. Criteria: Invitae Variant Classification Sherloc (09022015). Collection method: clinical testing. Allele origin: germline.
Comment: This variant has not been reported in the literature in individuals affected with HMCN1-related conditions. In summary, the available evidence is currently insufficient to determine the role of this variant in disease. Therefore, it has been classified as a Variant of Uncertain Significance. An algorithm developed to predict the effect of missense changes on protein structure and function (PolyPhen-2) suggests that this variant is likely to be disruptive. This variant is not present in population databases (gnomAD no frequency). This sequence change replaces proline, which is neutral and non-polar, with serine, which is neutral and polar, at codon 1681 of the HMCN1 protein (p.Pro1681Ser).

NM_031935.3(HMCN1):c.5041C>T (p.Pro1681Ser)

Gene: HMCN1 (hemicentin 1; plus strand). Cytogenetic location: 1q31.1.
Variant type: single nucleotide variant.
Coding change: c.5041C>T on transcript NM_031935.3 (MANE Select); coding-DNA position 5041, C replaced by T.
Protein change: p.Pro1681Ser; replaces proline 1681 with serine.
Molecular consequence: missense variant.
Genome position (GRCh38, 1-based): chr1:186,016,089, C>T. VCF-style: chr1-186016089-C-T. GRCh37 (hg19) VCF-style: chr1-185985221-C-T.
Other names: short protein forms P1681S.
Identifiers: ClinVar variation 2884554 (VCV002884554.3), dbSNP rs1654348824, ClinGen allele CA343888081.
Genomic context (GRCh38, chr1:186,016,089, plus strand): 5'-CTGGAGTGCAAAGCTGCTGGAAACCCTTCTCCCATTCTCACCTGGTTGAAAGATGGTGTA[C>T]CTGTGAAAGCTAATGACAATATCCGCATAGAAGCTGGTGGGAAGAAACTCGAAATCATGA-3'
Protein context (NP_114141.2, residues 1671-1691): PILTWLKDGV[Pro1681Ser]VKANDNIRIE